The following is an entry in ClinVar:

ClinVar aggregate classification (germline): Pathogenic/Likely pathogenic. Review status: criteria provided, multiple submitters, no conflicts (2 of 4 stars). 8 submissions from 8 submitters: Pathogenic (3); Likely pathogenic (3). 2 of the submissions do not count toward it. Last evaluated 2026-09-11.

Conditions:
OTOGL-related disorder. Also called: OTOGL-related condition.
Autosomal recessive nonsyndromic hearing loss 84B. Also called: Deafness, autosomal recessive 84b. Identifiers: Orphanet 90636, MedGen C3554159, MONDO:0013984, OMIM 614944.

Allele frequency attached by ClinVar (database versions not stated): gnomAD 0.00003; TOPMed 0.00003; gnomAD exomes 0.00006 and 0.00007; ExAC 0.00008.
gnomAD v4.1: 102 of 1,594,030 alleles (0.0064%); highest among the groups gnomAD compares: East Asian, 0.04%; 1 homozygote.

Submissions (8):

PreventionGenetics, part of Exact Sciences
Classification: Pathogenic for OTOGL-related condition. Last evaluated: 2026-09-11. Review status: criteria provided, single submitter. Criteria: ACMG Guidelines, 2015. Collection method: clinical testing. Allele origin: germline.
Comment: The OTOGL c.2833C>T variant is predicted to result in premature protein termination (p.Arg945*). This variant has been reported in an individual with sporadic moderate hearing loss who was also positive for a second truncating variant in OTOGL (phase unknown) (Table 2, Maekawa et al. 2025. PubMed ID: 40004452). This variant is reported in 0.036% of alleles in individuals of East Asian descent in gnomAD. Nonsense variants in OTOGL are expected to be pathogenic. This variant is interpreted as pathogenic.

Labcorp Genetics (formerly Invitae), Labcorp
Classification: Pathogenic. Last evaluated: 2025-11-12. Review status: criteria provided, single submitter. Criteria: Invitae Variant Classification Sherloc (09022015). Collection method: clinical testing. Allele origin: germline.
Comment: This sequence change creates a premature translational stop signal (p.Arg945*) in the OTOGL gene. It is expected to result in an absent or disrupted protein product. Loss-of-function variants in OTOGL are known to be pathogenic (PMID: 23122586). The frequency data for this variant in the population databases is considered unreliable, as metrics indicate poor data quality at this position in the gnomAD database. This variant has not been reported in the literature in individuals affected with OTOGL-related conditions. ClinVar contains an entry for this variant (Variation ID: 1297638). Algorithms developed to predict the effect of sequence changes on RNA splicing suggest that this variant may disrupt the consensus splice site. For these reasons, this variant has been classified as Pathogenic.

Blueprint Genetics
Classification: Likely pathogenic for OTOGL-related disorders. Last evaluated: 2024-10-18. Review status: criteria provided, single submitter. Criteria: ACMG Guidelines, 2015. Collection method: clinical testing. Allele origin: germline. Affected: yes. Observed: 5 variant alleles.

GeneDx
Classification: Likely pathogenic. Last evaluated: 2024-05-07. Review status: criteria provided, single submitter. Criteria: GeneDx Variant Classification Process June 2021. Collection method: clinical testing. Allele origin: germline. Affected: yes.
Comment: Nonsense variant predicted to result in protein truncation or nonsense mediated decay in a gene for which loss of function is a known mechanism of disease; This variant is associated with the following publications: (PMID: 29320387, 35816303)

3billion
Classification: Pathogenic for Autosomal recessive nonsyndromic hearing loss 84B. Last evaluated: 2022-09-01. Review status: criteria provided, single submitter. Criteria: ACMG Guidelines, 2015. Collection method: clinical testing. Allele origin: germline. Affected: yes. Observed: 1 heterozygote.
Comment: The variant is observed at an extremely low frequency in the gnomAD v2.1.1 dataset (total allele frequency: 0.006%). This stop-gained (nonsense) variant is predicted to result in a loss or disruption of normal protein function through nonsense-mediated decay (NMD) or protein truncation. Multiple pathogenic variants are reported downstream of the variant. The variant has been reported to be associated with OTOGL-related disorder (ClinVar ID: VCV001297638 / 3billion dataset). Therefore, this variant is classified as Pathogenic according to the recommendation of ACMG/AMP guideline.

Juno Genomics, Hangzhou Juno Genomics, Inc
Classification: Likely pathogenic for Autosomal recessive nonsyndromic hearing loss 84B. Review status: criteria provided, single submitter. Criteria: ACMG Guidelines, 2015. Collection method: clinical testing. Allele origin: germline.
Comment: Null variant in a gene where loss of function (LOF) is a known mechanism of disease.;Absent from controls (or at extremely low frequency if recessive) in Genome Aggregation Database.

Clinical Genetics DNA and cytogenetics Diagnostics Lab, Erasmus MC, Erasmus Medical Center
Classification: Pathogenic. Review status: no assertion criteria provided. Collection method: clinical testing. Allele origin: germline. Affected: yes. Study: VKGL Data-share Consensus. Not counted in ClinVar's aggregate classification.

Joint Genome Diagnostic Labs from Nijmegen and Maastricht, Radboudumc and MUMC+
Classification: Pathogenic. Review status: no assertion criteria provided. Collection method: clinical testing. Allele origin: germline. Affected: yes. Study: VKGL Data-share Consensus. Not counted in ClinVar's aggregate classification.

Literature cited by the submitters: PubMed 23122586 (cited by Labcorp Genetics (formerly Invitae), Labcorp).

NM_001378609.3(OTOGL):c.2860C>T (p.Arg954Ter)

Gene: OTOGL (otogelin like; plus strand). Cytogenetic location: 12q21.31.
Variant type: single nucleotide variant.
Coding change: c.2860C>T on transcript NM_001378609.3 (MANE Select); coding-DNA position 2860, C replaced by T.
Protein change: p.Arg954Ter; replaces arginine 954 with a stop codon.
Molecular consequence: nonsense.
Genome position (GRCh38, 1-based): chr12:80,279,098, C>T. VCF-style: chr12-80279098-C-T. GRCh37 (hg19) VCF-style: chr12-80672878-C-T.
Other names: c.2860C>T, p.Arg954Ter (NM_001368062.3, NM_001378610.3, NM_173591.7); short protein forms R954*.
Identifiers: ClinVar variation 1297638 (VCV001297638.15), dbSNP rs572666403, ClinGen allele CA6700918.